The following is an entry in ClinVar:

NM_005228.5(EGFR):c.1587C>T (p.Val529=)

Gene: EGFR (epidermal growth factor receptor; plus strand). Cytogenetic location: 7p11.2.
Variant type: single nucleotide variant.
Coding change: c.1587C>T on transcript NM_005228.5 (MANE Select); coding-DNA position 1587, C replaced by T.
Protein change: p.Val529=; no amino-acid change (valine 529 retained).
Molecular consequence: synonymous variant.
Genome position (GRCh38, 1-based): chr7:55,161,587, C>T. VCF-style: chr7-55161587-C-T. GRCh37 (hg19) VCF-style: chr7-55229280-C-T.
Other names: c.1452C>T, p.Val484= (NM_001346897.2, NM_001346899.2); c.1587C>T, p.Val529= (NM_001346898.2, NM_201282.2, NM_201284.2); c.1428C>T, p.Val476= (NM_001346900.2); c.786C>T, p.Val262= (NM_001346941.2).
Identifiers: ClinVar variation 4016795 (VCV004016795.1).

ClinVar aggregate classification (germline): Uncertain significance (1 of 4 stars; one submission).

Conditions:
Hereditary cancer-predisposing syndrome. Also called: Tumor predisposition; Hereditary neoplastic syndrome; Neoplastic Syndromes, Hereditary; Hereditary Cancer Syndrome. Identifiers: Orphanet 140162, MedGen C0027672, MeSH D009386, MONDO:0015356.

Submission:

Ambry Genetics
Classification: Uncertain significance for Hereditary cancer-predisposing syndrome. Last evaluated: 2025-06-11. Review status: criteria provided, single submitter. Criteria: Ambry Variant Classification Scheme 2023. Collection method: clinical testing. Allele origin: germline.
Comment: The c.1587C>T variant (also known as p.V529V), located in coding exon 13 of the EGFR gene, results from a C to T substitution at nucleotide position 1587. This nucleotide substitution does not change the valine at codon 529. This nucleotide position is not well conserved in available vertebrate species. In silico splice site analysis predicts that this alteration may weaken the native splice donor site. Based on the available evidence, the clinical significance of this variant remains unclear.